The following is an entry in ClinVar:

ClinVar aggregate classification (germline): Likely benign (1 of 4 stars; one submission).

Allele frequency attached by ClinVar (database versions not stated): 1000 Genomes Project 0.00060; 1000 Genomes Project 30x 0.00062; gnomAD 0.00345; TOPMed 0.00345; ESP Exome Variant Server 0.00463; gnomAD exomes 0.00556; ExAC 0.00616.
gnomAD v4.1: 8,602 of 1,608,808 alleles (0.53%); highest among the groups gnomAD compares: Non-Finnish European, 0.65%; 34 homozygotes.

Submission:

CeGaT Center for Human Genetics Tuebingen
Classification: Likely benign. Last evaluated: 2022-08-01. Review status: criteria provided, single submitter. Criteria: CeGaT Center For Human Genetics Tuebingen Variant Classification Criteria Version 2. Collection method: clinical testing. Allele origin: germline. Affected: yes. Observed: 1 variant allele.
Comment: ADCK2: BP4

NM_052853.4(ADCK2):c.124C>T (p.Leu42Phe)

Gene: ADCK2 (aarF domain containing kinase 2; plus strand). Cytogenetic location: 7q34.
Variant type: single nucleotide variant.
Coding change: c.124C>T on transcript NM_052853.4 (MANE Select); coding-DNA position 124, C replaced by T.
Protein change: p.Leu42Phe; replaces leucine 42 with phenylalanine.
Molecular consequence: missense variant.
Genome position (GRCh38, 1-based): chr7:140,673,454, C>T. VCF-style: chr7-140673454-C-T. GRCh37 (hg19) VCF-style: chr7-140373254-C-T.
Other names: short protein forms L42F.
Identifiers: ClinVar variation 2658020 (VCV002658020.24), dbSNP rs140971515, ClinGen allele CA4515818.